The following is an entry in ClinVar:

NM_007254.4(PNKP):c.302C>T (p.Pro101Leu)

Gene: PNKP (polynucleotide kinase 3'-phosphatase; minus strand). Cytogenetic location: 19q13.33.
Variant type: single nucleotide variant.
Coding change: c.302C>T on transcript NM_007254.4 (MANE Select); coding-DNA position 302, C replaced by T.
Protein change: p.Pro101Leu; replaces proline 101 with leucine.
Molecular consequence: missense variant.
Genome position (GRCh38, 1-based): chr19:49,865,323, G>A on the plus strand (C>T on the coding strand, the complement: PNKP is on the minus strand). VCF-style: chr19-49865323-G-A. GRCh37 (hg19) VCF-style: chr19-50368580-G-A.
Other names: short protein forms P101L.
Identifiers: ClinVar variation 159793 (VCV000159793.58), dbSNP rs587784367, ClinGen allele CA245334.

ClinVar aggregate classification (germline): Conflicting classifications of pathogenicity. Review status: criteria provided, conflicting classifications (1 of 4 stars). 6 submissions from 6 submitters: Likely pathogenic (1); Uncertain significance (4); VUS-high (1). Last evaluated 2026-08-09.

Conditions:
Inborn genetic diseases. Identifiers: MedGen C0950123, MeSH D030342.
Microcephaly, seizures, and developmental delay. Identifiers: Orphanet 1934, MedGen C3150667, MONDO:0013254, OMIM 613402.

Allele frequency attached by ClinVar (database versions not stated): TOPMed below 0.00001; gnomAD exomes 0.00001.
gnomAD v4.1: 3 of 1,614,160 alleles (0.00019%); highest among the groups gnomAD compares: Non-Finnish European, 0.00025%; no homozygotes.

Submissions (6):

Department of Medical Genetics, Jagiellonian University Medical College
Classification: VUS-high for Microcephaly, seizures, and developmental delay. Last evaluated: 2026-08-09. Review status: criteria provided, single submitter. Criteria: ACMG Guidelines, 2015. Collection method: research. Allele origin: inherited. Inheritance: Autosomal recessive inheritance. Affected: yes. Observed: 1 variant allele, 1 compound heterozygote.

Institute of Human Genetics, University of Leipzig Medical Center
Classification: Likely pathogenic for Microcephaly, seizures, and developmental delay. Last evaluated: 2020-12-08. Review status: criteria provided, single submitter. Criteria: ACMG Guidelines, 2015. Collection method: clinical testing. Allele origin: maternal. Inheritance: Autosomal recessive inheritance. Affected: yes. Observed: 1 compound heterozygote.
Comment: This variant has been identified compound heterozygous with the variant NM_007254.3:c.498G>A, r.199_498del, p.Leu67_Lys166del in two fetuses with microcephaly, aplasia/hypoplasia of the cerebrum and cerebellum (hypoplastic frontal lobes, no corpus callosum) and facial dysmorphism (retrognathia, hypertelorism, long philtrum). The variant is maternally inherited. This missense variant c.302C>T, p.(Pro101Leu) in exon 4 of PNKP has been reported in ClinVar (ID 159793). The variant is absent from the general population (gnomAD). Multiple in silico-tools predict this variant as damaging. The variant is located in the FHA-domain. Taken together, we classify this variant as likely pathogenic based on the ACMG recommendations (Richards et al., 2015, PMID 25741868; criteria: PS4_MOD;PM1_SUP;PM2_SUP;PM3;PP3).

Ambry Genetics
Classification: Uncertain significance for Inborn genetic diseases. Last evaluated: 2020-03-18. Review status: criteria provided, single submitter. Criteria: Ambry Variant Classification Scheme 2023. Collection method: clinical testing. Allele origin: germline.
Comment: The p.P101L variant (also known as c.302C>T), located in coding exon 3 of the PNKP gene, results from a C to T substitution at nucleotide position 302. The proline at codon 101 is replaced by leucine, an amino acid with similar properties. This amino acid position is well conserved in available vertebrate species. In addition, the in silico prediction for this alteration is inconclusive. Since supporting evidence is limited at this time, the clinical significance of this alteration remains unclear.

CeGaT Center for Human Genetics Tuebingen
Classification: Uncertain significance. Last evaluated: 2018-12-01. Review status: criteria provided, single submitter. Criteria: CeGaT Center For Human Genetics Tuebingen Variant Classification Criteria Version 2. Collection method: clinical testing. Allele origin: germline. Affected: yes. Observed: 1 variant allele.

Eurofins Ntd Llc (ga)
Classification: Uncertain significance. Last evaluated: 2015-02-17. Review status: criteria provided, single submitter. Criteria: EGL Classification Definitions 2015. Collection method: clinical testing. Allele origin: germline. Observed: 2 variant alleles, 2 heterozygotes.

Genetic Services Laboratory, University of Chicago
Classification: Uncertain significance for Epileptic encephalopathy, early infantile, 10. Last evaluated: 2013-08-05. Review status: criteria provided, single submitter. Criteria: ACMG Guidelines, 2007. Collection method: clinical testing. Allele origin: germline. Inheritance: Autosomal recessive inheritance.